The following is an entry in ClinVar:

ClinVar aggregate classification (germline): Likely benign. Review status: criteria provided, single submitter (1 of 4 stars). 2 submissions from 1 submitter: Likely benign (2). Last evaluated 2018-01-13.

Conditions:
Susceptibility to mononeuropathy of the median nerve, mild. Also called: CARPAL TUNNEL SYNDROME, SUSCEPTIBILITY TO. Identifiers: MedGen C3150596, MONDO:0013237, OMIM 613353.
Charcot-Marie-Tooth disease type 4C (CMT4C). Also called: CHARCOT-MARIE-TOOTH DISEASE, DEMYELINATING, AUTOSOMAL RECESSIVE, TYPE 4C; CMT 4C; Charcot-Marie-Tooth Neuropathy Type 4C (CMT4C); CHARCOT-MARIE-TOOTH DISEASE, DEMYELINATING, TYPE 4C; SH3TC2-Related Hereditary Motor and Sensory Neuropathy. Identifiers: Orphanet 99949, MedGen C1866636, MONDO:0011113, OMIM 601596.

Allele frequency attached by ClinVar (database versions not stated): gnomAD 0.00001 and 0.00058; TOPMed 0.00013; 1000 Genomes Project 0.00260; 1000 Genomes Project 30x 0.00281.
gnomAD v4.1: 86 of 152,348 alleles (0.056%); highest among the groups gnomAD compares: South Asian, 1.8%; 2 homozygotes.

Submissions (2):

Illumina Laboratory Services, Illumina
Classification: Likely benign for Charcot-Marie-Tooth disease type 4C. Last evaluated: 2018-01-13. Review status: criteria provided, single submitter. Criteria: ICSL Variant Classification Criteria 13 December 2019. Collection method: clinical testing. Allele origin: germline.
Comment: This variant was observed in the ICSL laboratory as part of a predisposition screen in an ostensibly healthy population. It had not been previously curated by ICSL or reported in the Human Gene Mutation Database (HGMD: prior to June 1st, 2018), and was therefore a candidate for classification through an automated scoring system. Utilizing variant allele frequency, disease prevalence and penetrance estimates, and inheritance mode, an automated score was calculated to assess if this variant is too frequent to cause the disease. Based on the score and internal cut-off values, a variant classified as likely benign is not then subjected to further curation. The score for this variant resulted in a classification of likely benign for this disease.

Illumina Laboratory Services, Illumina
Classification: Likely benign for Susceptibility to mononeuropathy of the median nerve, mild. Last evaluated: 2018-01-13. Review status: criteria provided, single submitter. Criteria: ICSL Variant Classification Criteria 13 December 2019. Collection method: clinical testing. Allele origin: germline.
Comment: the same text as in the submission from Illumina Laboratory Services, Illumina above.

NM_024577.4(SH3TC2):c.*6302T>A

Gene: SH3TC2 (SH3 domain and tetratricopeptide repeats 2; minus strand). Cytogenetic location: 5q32.
Variant type: single nucleotide variant.
Coding change: c.*6302T>A on transcript NM_024577.4 (MANE Select); 6302 bases downstream of the stop codon, T replaced by A.
Molecular consequence: 3 prime UTR variant.
Genome position (GRCh38, 1-based): chr5:148,998,409, A>T on the plus strand (T>A on the coding strand, the complement: SH3TC2 is on the minus strand). VCF-style: chr5-148998409-A-T. GRCh37 (hg19) VCF-style: chr5-148377972-A-T.
Identifiers: ClinVar variation 351792 (VCV000351792.5), dbSNP rs545169695, ClinGen allele CA10619528.